The following is an entry in ClinVar:

ClinVar aggregate classification (germline): Uncertain significance. Review status: criteria provided, multiple submitters, no conflicts (2 of 4 stars). 2 submissions from 2 submitters: Uncertain significance (2). Last evaluated 2025-10-07.

Conditions:
Dilated cardiomyopathy 1W (CMD1W). Identifiers: Orphanet 154, MedGen C1969639, MONDO:0012667, OMIM 611407.
Cardiovascular phenotype. Identifiers: MedGen CN230736.

Submissions (2):

3billion
Classification: Uncertain significance for Dilated cardiomyopathy 1W. Last evaluated: 2025-10-07. Review status: criteria provided, single submitter. Criteria: ACMG Guidelines, 2015. Collection method: clinical testing. Allele origin: germline. Affected: yes.
Comment: The variant is not observed in the gnomAD v4.1.0 dataset. Predicted Consequence/Location: Missense variant. The majority of the known disease-causing variants of this gene are variants expected to result in premature termination of the protein. In silico tool predictions suggest damaging effect of the variant on gene or gene product [3Cnet: 0.92 (> 0.75, sensitivity 0.96 and precision 0.92)]. The variant has been reported as of uncertain significance (ClinVar ID: VCV002586041). Therefore, this variant is classified as VUS according to the recommendation of ACMG/AMP guideline.

Ambry Genetics
Classification: Uncertain significance for Cardiovascular phenotype. Last evaluated: 2025-03-10. Review status: criteria provided, single submitter. Criteria: Ambry Variant Classification Scheme 2023. Collection method: clinical testing. Allele origin: germline.

NM_014000.3(VCL):c.2940G>T (p.Trp980Cys)

Gene: VCL (vinculin; plus strand). Cytogenetic location: 10q22.2.
Variant type: single nucleotide variant.
Coding change: c.2940G>T on transcript NM_014000.3 (MANE Select); coding-DNA position 2940, G replaced by T.
Protein change: p.Trp980Cys; replaces tryptophan 980 with cysteine.
Molecular consequence: missense variant. On other transcripts: intron variant (1).
Genome position (GRCh38, 1-based): chr10:74,112,103, G>T. VCF-style: chr10-74112103-G-T. GRCh37 (hg19) VCF-style: chr10-75871861-G-T.
Other names: c.2746-2081G>T (NM_003373.4); short protein forms W980C.
Identifiers: ClinVar variation 2586041 (VCV002586041.4), dbSNP rs2549236026, ClinGen allele CA377264916.